The following is an entry in ClinVar:

ClinVar aggregate classification (germline): Uncertain significance (1 of 4 stars; one submission).

Submission:

Mayo Clinic Laboratories, Mayo Clinic
Classification: Uncertain significance. Last evaluated: 2025-02-25. Review status: criteria provided, single submitter. Criteria: ACMG Guidelines, 2015. Collection method: clinical testing. Allele origin: germline. Observed: 1 variant allele.
Comment: BP4, PM2_supporting

NM_000256.3(MYBPC3):c.2603G>T (p.Gly868Val)

Gene: MYBPC3 (myosin binding protein C3; minus strand). Cytogenetic location: 11p11.2.
Variant type: single nucleotide variant.
Coding change: c.2603G>T on transcript NM_000256.3 (MANE Select); coding-DNA position 2603, G replaced by T.
Protein change: p.Gly868Val; replaces glycine 868 with valine.
Molecular consequence: missense variant.
Genome position (GRCh38, 1-based): chr11:47,336,011, C>A on the plus strand (G>T on the coding strand, the complement: MYBPC3 is on the minus strand). VCF-style: chr11-47336011-C-A. GRCh37 (hg19) VCF-style: chr11-47357562-C-A.
Other names: p.Gly868Val; c.2603G>T, p.Gly868Val (LRG_386t1); short protein forms G868V.
Identifiers: ClinVar variation 304954 (VCV000304954.6), dbSNP rs886048376, ClinGen allele CA10639333.